The following is an entry in ClinVar:

NM_022166.4(XYLT1):c.1602G>A (p.Thr534=)

Genes: XYLT1 (xylosyltransferase 1; minus strand), LOC102723692 (uncharacterized LOC102723692; plus strand). Cytogenetic location: 16p12.3.
Variant type: single nucleotide variant.
Coding change: c.1602G>A on transcript NM_022166.4 (MANE Select); coding-DNA position 1602, G replaced by A.
Protein change: p.Thr534=; no amino-acid change (threonine 534 retained).
Molecular consequence: synonymous variant. On other transcripts: non-coding transcript variant (1).
Genome position (GRCh38, 1-based): chr16:17,138,517, C>T on the plus strand (G>A on the coding strand, the complement: XYLT1 is on the minus strand). VCF-style: chr16-17138517-C-T. GRCh37 (hg19) VCF-style: chr16-17232374-C-T.
Identifiers: ClinVar variation 719612 (VCV000719612.12), dbSNP rs138560456, ClinGen allele CA7927840.
Genomic context (GRCh38, chr16:17,138,517, plus strand): 5'-GTTGGTGATGCGCAGGTTGTTGTCCACCATGGTGTCGCAGTGGGGGCTGTTCTCCAGGAC[C>T]GTATGGAAGAAGGACTGCAGGGGAGAGAGGGACCCAGCCTGAGACCTCTCCCAGCCTCCC-3'
Protein context (NP_071449.1, residues 524-544): TLLPAESFFH[Thr534=]VLENSPHCDT

ClinVar aggregate classification (germline): Likely benign. Review status: criteria provided, multiple submitters, no conflicts (2 of 4 stars). 3 submissions from 3 submitters: Likely benign (2). 1 of the submissions does not count toward it. Last evaluated 2026-01-13.

Conditions:
XYLT1-related disorder. Also called: XYLT1-related condition.
Desbuquois dysplasia 1 (DBQD1). Also called: MICROMELIC DWARFISM WITH VERTEBRAL AND METAPHYSEAL ABNORMALITIES AND ADVANCED CARPOTARSAL OSSIFICATION; DESBUQUOIS DYSPLASIA 1, KIM VARIANT. Identifiers: Orphanet 1425, MedGen C4012146, MONDO:0009629, OMIM 251450.

Allele frequency attached by ClinVar (database versions not stated): gnomAD 0.00007 and 0.00011; TOPMed 0.00014; ESP Exome Variant Server 0.00015; 1000 Genomes Project 0.00040; gnomAD exomes 0.00041; ExAC 0.00046.
gnomAD v4.1: 355 of 1,613,168 alleles (0.022%); highest among the groups gnomAD compares: South Asian, 0.15%; 2 homozygotes.

Submissions (3):

Labcorp Genetics (formerly Invitae), Labcorp
Classification: Likely benign for Desbuquois dysplasia 1. Last evaluated: 2026-01-13. Review status: criteria provided, single submitter. Criteria: Invitae Variant Classification Sherloc (09022015). Collection method: clinical testing. Allele origin: germline.

Breakthrough Genomics
Classification: Likely benign. Review status: criteria provided, single submitter. Criteria: ACMG Guidelines, 2015. Collection method: not provided. Allele origin: germline. Inheritance: Autosomal recessive inheritance. Affected: yes.

PreventionGenetics, part of Exact Sciences
Classification: Likely benign for XYLT1-related condition. Last evaluated: 2024-09-16. Review status: no assertion criteria provided. Collection method: clinical testing. Allele origin: germline. Not counted in ClinVar's aggregate classification.
Comment: This variant is classified as likely benign based on ACMG/AMP sequence variant interpretation guidelines (Richards et al. 2015 PMID: 25741868, with internal and published modifications).